The following is an entry in ClinVar:

ClinVar aggregate classification (germline): Uncertain significance (1 of 4 stars; one submission).

Conditions:
Hereditary cancer-predisposing syndrome. Also called: Neoplastic Syndromes, Hereditary; Tumor predisposition; Hereditary neoplastic syndrome; Hereditary Cancer Syndrome. Identifiers: Orphanet 140162, MedGen C0027672, MeSH D009386, MONDO:0015356.
Cardiovascular phenotype. Identifiers: MedGen CN230736.

gnomAD v4.1: 4 of 1,613,574 alleles (0.00025%); highest among the groups gnomAD compares: Non-Finnish European, 0.00034%; no homozygotes.

Submission:

Ambry Genetics
Classification: Uncertain significance for Cardiovascular phenotype; Hereditary cancer-predisposing syndrome. Last evaluated: 2023-11-02. Review status: criteria provided, single submitter. Criteria: Ambry Variant Classification Scheme 2023. Collection method: clinical testing. Allele origin: germline.
Comment: The p.D432G variant (also known as c.1295A>G), located in coding exon 12 of the LZTR1 gene, results from an A to G substitution at nucleotide position 1295. The aspartic acid at codon 432 is replaced by glycine, an amino acid with similar properties. This amino acid position is conserved. In addition, this alteration is predicted to be deleterious by in silico analysis. Since supporting evidence is limited at this time, the clinical significance of this alteration remains unclear.

NM_006767.4(LZTR1):c.1295A>G (p.Asp432Gly)

Gene: LZTR1 (leucine zipper like post translational regulator 1; plus strand). Cytogenetic location: 22q11.21.
Variant type: single nucleotide variant.
Coding change: c.1295A>G on transcript NM_006767.4 (MANE Select); coding-DNA position 1295, A replaced by G.
Protein change: p.Asp432Gly; replaces aspartic acid 432 with glycine.
Molecular consequence: missense variant.
Genome position (GRCh38, 1-based): chr22:20,993,696, A>G. VCF-style: chr22-20993696-A-G. GRCh37 (hg19) VCF-style: chr22-21347985-A-G.
Other names: short protein forms D432G.
Identifiers: ClinVar variation 3238052 (VCV003238052.1), dbSNP rs2518619942.